The following is an entry in ClinVar:

ClinVar aggregate classification (germline): Uncertain significance. Review status: criteria provided, multiple submitters, no conflicts (2 of 4 stars). 2 submissions from 2 submitters: Uncertain significance (2). Last evaluated 2023-07-16.

Conditions:
Holoprosencephaly 5 (HPE5). Identifiers: Orphanet 2162, MedGen C1864827, MONDO:0012322, OMIM 609637.

Allele frequency attached by ClinVar (database versions not stated): gnomAD 0.00001.

Submissions (2):

GeneDx
Classification: Uncertain significance. Last evaluated: 2023-07-16. Review status: criteria provided, single submitter. Criteria: GeneDx Variant Classification Process June 2021. Collection method: clinical testing. Allele origin: germline. Affected: yes.
Comment: Not observed at significant frequency in large population cohorts (gnomAD); In silico analysis supports that this missense variant does not alter protein structure/function; Has not been previously published as pathogenic or benign to our knowledge

Labcorp Genetics (formerly Invitae), Labcorp
Classification: Uncertain significance for Holoprosencephaly 5. Last evaluated: 2022-11-28. Review status: criteria provided, single submitter. Criteria: Invitae Variant Classification Sherloc (09022015). Collection method: clinical testing. Allele origin: germline.
Comment: This sequence change replaces isoleucine, which is neutral and non-polar, with valine, which is neutral and non-polar, at codon 252 of the ZIC2 protein (p.Ile252Val). This variant is present in population databases (no rsID available, gnomAD 0.007%). This variant has not been reported in the literature in individuals affected with ZIC2-related conditions. Advanced modeling of protein sequence and biophysical properties (such as structural, functional, and spatial information, amino acid conservation, physicochemical variation, residue mobility, and thermodynamic stability) performed at Invitae indicates that this missense variant is not expected to disrupt ZIC2 protein function. In summary, the available evidence is currently insufficient to determine the role of this variant in disease. Therefore, it has been classified as a Variant of Uncertain Significance.

NM_007129.5(ZIC2):c.754A>G (p.Ile252Val)

Gene: ZIC2 (Zic family zinc finger 2; plus strand). Cytogenetic location: 13q32.3.
Variant type: single nucleotide variant.
Coding change: c.754A>G on transcript NM_007129.5 (MANE Select); coding-DNA position 754, A replaced by G.
Protein change: p.Ile252Val; replaces isoleucine 252 with valine.
Molecular consequence: missense variant.
Genome position (GRCh38, 1-based): chr13:99,982,818, A>G. VCF-style: chr13-99982818-A-G. GRCh37 (hg19) VCF-style: chr13-100635072-A-G.
Other names: c.754A>G (NM_007129.3); short protein forms I252V.
Identifiers: ClinVar variation 2816398 (VCV002816398.4), dbSNP rs1406845921, ClinGen allele CA388637994.